The following is an entry in ClinVar:

ClinVar aggregate classification (germline): Uncertain significance (1 of 4 stars; one submission).

Conditions:
Hypertrophic cardiomyopathy. Also called: HYPERTROPHIC MYOCARDIOPATHY. Identifiers: Orphanet 217569, MedGen C0007194, MeSH D002312, MONDO:0005045, HP:0001639.

Submission:

Labcorp Genetics (formerly Invitae), Labcorp
Classification: Uncertain significance for Hypertrophic cardiomyopathy. Last evaluated: 2020-08-28. Review status: criteria provided, single submitter. Criteria: Invitae Variant Classification Sherloc (09022015). Collection method: clinical testing. Allele origin: germline.
Comment: In summary, the available evidence is currently insufficient to determine the role of this variant in disease. Therefore, it has been classified as a Variant of Uncertain Significance. An algorithm developed specifically for the MYH7 gene suggests that this missense change is likely to be tolerated (PMID: 21310275). However, this prediction has not been confirmed by published functional studies and its clinical significance is uncertain. This variant has not been reported in the literature in individuals with MYH7-related disease. This variant is not present in population databases (ExAC no frequency). This sequence change replaces glycine with alanine at codon 626 of the MYH7 protein (p.Gly626Ala). The glycine residue is highly conserved and there is a small physicochemical difference between glycine and alanine.

Literature cited by the submitters: PubMed 21310275.

NM_000257.4(MYH7):c.1877G>C (p.Gly626Ala)

Gene: MYH7 (myosin heavy chain 7; minus strand). Cytogenetic location: 14q11.2.
Variant type: single nucleotide variant.
Coding change: c.1877G>C on transcript NM_000257.4 (MANE Select); coding-DNA position 1877, G replaced by C.
Protein change: p.Gly626Ala; replaces glycine 626 with alanine.
Molecular consequence: missense variant.
Genome position (GRCh38, 1-based): chr14:23,427,596, C>G on the plus strand (G>C on the coding strand, the complement: MYH7 is on the minus strand). VCF-style: chr14-23427596-C-G. GRCh37 (hg19) VCF-style: chr14-23896805-C-G.
Other names: short protein forms G626A.
Identifiers: ClinVar variation 524973 (VCV000524973.8), dbSNP rs1555338111, ClinGen allele CA389049633.